The following is an entry in ClinVar:

ClinVar aggregate classification (germline): Uncertain significance (1 of 4 stars; one submission).

Submission:

GeneDx
Classification: Uncertain significance. Last evaluated: 2024-09-06. Review status: criteria provided, single submitter. Criteria: GeneDx Variant Classification Process June 2021. Collection method: clinical testing. Allele origin: germline. Affected: yes.
Comment: Not observed at significant frequency in large population cohorts (gnomAD); In silico analysis indicates that this missense variant does not alter protein structure/function; Has not been previously published as pathogenic or benign to our knowledge

NM_013436.5(NCKAP1):c.154A>G (p.Asn52Asp)

Gene: NCKAP1 (NCK associated protein 1; minus strand). Cytogenetic location: 2q32.1.
Variant type: single nucleotide variant.
Coding change: c.154A>G on transcript NM_013436.5 (MANE Select); coding-DNA position 154, A replaced by G.
Protein change: p.Asn52Asp; replaces asparagine 52 with aspartic acid.
Molecular consequence: missense variant.
Genome position (GRCh38, 1-based): chr2:183,023,871, T>C on the plus strand (A>G on the coding strand, the complement: NCKAP1 is on the minus strand). VCF-style: chr2-183023871-T-C. GRCh37 (hg19) VCF-style: chr2-183888599-T-C.
Other names: c.172A>G, p.Asn58Asp (NM_205842.3); short protein forms N52D, N58D.
Identifiers: ClinVar variation 3767474 (VCV003767474.1).